The following is an entry in ClinVar:

NM_004336.5(BUB1):c.1819G>C (p.Ala607Pro)

Gene: BUB1 (BUB1 mitotic checkpoint serine/threonine kinase; minus strand). Cytogenetic location: 2q13.
Variant type: single nucleotide variant.
Coding change: c.1819G>C on transcript NM_004336.5 (MANE Select); coding-DNA position 1819, G replaced by C.
Protein change: p.Ala607Pro; replaces alanine 607 with proline.
Molecular consequence: missense variant.
Genome position (GRCh38, 1-based): chr2:110,655,796, C>G on the plus strand (G>C on the coding strand, the complement: BUB1 is on the minus strand). VCF-style: chr2-110655796-C-G. GRCh37 (hg19) VCF-style: chr2-111413373-C-G.
Other names: c.1759G>C, p.Ala587Pro (NM_001278616.2); c.1819G>C, p.Ala607Pro (NM_001278617.2); short protein forms A587P, A607P.
Identifiers: ClinVar variation 1780725 (VCV001780725.2), dbSNP rs2468001816, ClinGen allele CA348210671.

ClinVar aggregate classification (germline): Uncertain significance (1 of 4 stars; one submission).

Submission:

Ambry Genetics
Classification: Uncertain significance. Last evaluated: 2022-09-26. Review status: criteria provided, single submitter. Criteria: Ambry Variant Classification Scheme 2023. Collection method: clinical testing. Allele origin: germline.
Comment: The p.A607P variant (also known as c.1819G>C), located in coding exon 16 of the BUB1 gene, results from a G to C substitution at nucleotide position 1819. The alanine at codon 607 is replaced by proline, an amino acid with highly similar properties. This amino acid position is conserved. In addition, this alteration is predicted to be tolerated by in silico analysis. Since supporting evidence is limited at this time, the clinical significance of this alteration remains unclear.